The following is an entry in ClinVar:

ClinVar aggregate classification (germline): Uncertain significance (1 of 4 stars; one submission).

Allele frequency attached by ClinVar (database versions not stated): gnomAD 0.00001; gnomAD exomes 0.00001 and 0.00002; TOPMed 0.00001; ExAC 0.00002.
gnomAD v4.1: 17 of 1,614,098 alleles (0.0011%); highest among the groups gnomAD compares: South Asian, 0.014%; no homozygotes.

Submission:

Labcorp Genetics (formerly Invitae), Labcorp
Classification: Uncertain significance. Last evaluated: 2021-06-08. Review status: criteria provided, single submitter. Criteria: Invitae Variant Classification Sherloc (09022015). Collection method: clinical testing. Allele origin: germline.
Comment: In summary, the available evidence is currently insufficient to determine the role of this variant in disease. Therefore, it has been classified as a Variant of Uncertain Significance. This sequence change replaces serine with leucine at codon 480 of the SH3PXD2B protein (p.Ser480Leu). The serine residue is highly conserved and there is a large physicochemical difference between serine and leucine. This variant is present in population databases (rs781378826, ExAC 0.006%). This variant has not been reported in the literature in individuals with SH3PXD2B-related conditions. Algorithms developed to predict the effect of missense changes on protein structure and function output the following: SIFT: "Tolerated"; PolyPhen-2: "Benign"; Align-GVGD: "Class C0". The leucine amino acid residue is found in multiple mammalian species, suggesting that this missense change does not adversely affect protein function. These predictions have not been confirmed by published functional studies and their clinical significance is uncertain.

NM_001017995.3(SH3PXD2B):c.1439C>T (p.Ser480Leu)

Gene: SH3PXD2B (SH3 and PX domains 2B; minus strand). Cytogenetic location: 5q35.1.
Variant type: single nucleotide variant.
Coding change: c.1439C>T on transcript NM_001017995.3 (MANE Select); coding-DNA position 1439, C replaced by T.
Protein change: p.Ser480Leu; replaces serine 480 with leucine.
Molecular consequence: missense variant. On other transcripts: intron variant (1).
Genome position (GRCh38, 1-based): chr5:172,339,666, G>A on the plus strand (C>T on the coding strand, the complement: SH3PXD2B is on the minus strand). VCF-style: chr5-172339666-G-A. GRCh37 (hg19) VCF-style: chr5-171766670-G-A.
Other names: c.1188+6470C>T (NM_001308175.2); short protein forms S480L.
Identifiers: ClinVar variation 1379797 (VCV001379797.7), dbSNP rs781378826, ClinGen allele CA3561180.